The following is an entry in ClinVar:

NM_004813.4(PEX16):c.760G>C (p.Val254Leu)

Gene: PEX16 (peroxisomal biogenesis factor 16; minus strand). Cytogenetic location: 11p11.2.
Variant type: single nucleotide variant.
Coding change: c.760G>C on transcript NM_004813.4 (MANE Select); coding-DNA position 760, G replaced by C.
Protein change: p.Val254Leu; replaces valine 254 with leucine.
Molecular consequence: missense variant.
Genome position (GRCh38, 1-based): chr11:45,914,138, C>G on the plus strand (G>C on the coding strand, the complement: PEX16 is on the minus strand). VCF-style: chr11-45914138-C-G. GRCh37 (hg19) VCF-style: chr11-45935689-C-G.
Other names: c.760G>C, p.Val254Leu (NM_057174.3); short protein forms V254L.
Identifiers: ClinVar variation 304788 (VCV000304788.24), dbSNP rs35214605, ClinGen allele CA5959843.

ClinVar aggregate classification (germline): Benign/Likely benign. Review status: criteria provided, multiple submitters, no conflicts (2 of 4 stars). 5 submissions from 5 submitters: Benign (2); Likely benign (2). 1 of the submissions does not count toward it. Last evaluated 2026-02-04.

Conditions:
Peroxisome biogenesis disorder 8A (Zellweger). Also called: Peroxisome biogenesis disorder 8A. Identifiers: Orphanet 912, MedGen C3553959, MONDO:0013942, OMIM 614876.
Peroxisome biogenesis disorder. Identifiers: Orphanet 79189, MedGen C1832200, MONDO:0019234. Disease mechanism: loss of function.
Peroxisome biogenesis disorder 8B (PBD8B). Identifiers: Orphanet 44, MedGen C3553960, MONDO:0013943, OMIM 614877.

Allele frequency attached by ClinVar (database versions not stated): 1000 Genomes Project 30x 0.00828; 1000 Genomes Project 0.00859; gnomAD 0.01652; TOPMed 0.01655; ESP Exome Variant Server 0.01871.

Submissions (5):

Labcorp Genetics (formerly Invitae), Labcorp
Classification: Benign for Peroxisome biogenesis disorder. Last evaluated: 2026-02-04. Review status: criteria provided, single submitter. Criteria: Invitae Variant Classification Sherloc (09022015). Collection method: clinical testing. Allele origin: germline.

GeneDx
Classification: Likely benign. Last evaluated: 2021-04-23. Review status: criteria provided, single submitter. Criteria: GeneDx Variant Classification Process June 2021. Collection method: clinical testing. Allele origin: germline. Affected: yes.

Illumina Laboratory Services, Illumina
Classification: Benign for Peroxisome biogenesis disorder 8A (Zellweger). Last evaluated: 2018-01-12. Review status: criteria provided, single submitter. Criteria: ICSL Variant Classification Criteria 13 December 2019. Collection method: clinical testing. Allele origin: germline.
Comment: This variant was observed in the ICSL laboratory as part of a predisposition screen in an ostensibly healthy population. It had not been previously curated by ICSL or reported in the Human Gene Mutation Database (HGMD: prior to June 1st, 2018), and was therefore a candidate for classification through an automated scoring system. Utilizing variant allele frequency, disease prevalence and penetrance estimates, and inheritance mode, an automated score was calculated to assess if this variant is too frequent to cause the disease. Based on the score and internal cut-off values, a variant classified as benign is not then subjected to further curation. The score for this variant resulted in a classification of benign for this disease.

Breakthrough Genomics
Classification: Likely benign. Review status: criteria provided, single submitter. Criteria: ACMG Guidelines, 2015. Collection method: not provided. Allele origin: germline. Inheritance: Autosomal recessive inheritance. Affected: yes.

Mayo Clinic Laboratories, Mayo Clinic
Classification: Likely benign. Last evaluated: 2017-10-03. Review status: no assertion criteria provided. Collection method: clinical testing. Allele origin: unknown. Not counted in ClinVar's aggregate classification.